The following is an entry in ClinVar:

ClinVar aggregate classification (germline): Likely benign (1 of 4 stars; one submission).

Conditions:
LRRC45-related disorder. Also called: LRRC45-related condition.

gnomAD v4.1: 3 of 1,410,754 alleles (0.00021%); highest among the groups gnomAD compares: African/African-American, 0.0044%; no homozygotes.

Submission:

PreventionGenetics, part of Exact Sciences
Classification: Likely benign for LRRC45-related condition. Last evaluated: 2025-10-10. Review status: criteria provided, single submitter. Criteria: ACMG Guidelines, 2015. Collection method: clinical testing. Allele origin: germline.
Comment: This variant is classified as likely benign based on ACMG/AMP sequence variant interpretation guidelines (Richards et al. 2015 PMID: 25741868, with internal and published modifications).

NM_144999.4(LRRC45):c.1989G>A (p.Val663=)

Gene: LRRC45 (leucine rich repeat containing 45; plus strand). Cytogenetic location: 17q25.3.
Variant type: single nucleotide variant.
Coding change: c.1989G>A on transcript NM_144999.4 (MANE Select); coding-DNA position 1989, G replaced by A.
Protein change: p.Val663=; no amino-acid change (valine 663 retained).
Molecular consequence: synonymous variant.
Genome position (GRCh38, 1-based): chr17:82,030,781, G>A. VCF-style: chr17-82030781-G-A. GRCh37 (hg19) VCF-style: chr17-79988657-G-A.
Identifiers: ClinVar variation 5001820 (VCV005001820.1).